The following is an entry in ClinVar:

NM_004409.5(DMPK):c.*224CTG[1140]

Genes: DM1-AS (DM1 locus antisense RNA; plus strand), DMPK (DM1 protein kinase; minus strand), LOC107075317 (origin of replication in DMPK trinucleotide repeat region; plus strand), LOC109461477 (dystrophia myotonica protein kinase repeat instability region; plus strand). Cytogenetic location: 19q13.32.
Variant type: Microsatellite.
Coding change: c.*224CTG[1140] on transcript NM_004409.5 (MANE Select); 1,140 copies in a row of the 3-base unit CTG starting at c.*224.
Molecular consequence: 3 prime UTR variant.
Genome position: GRCh38, VCF-style position (the base before the change): chr19:45,770,204. GRCh37 (hg19), VCF-style position (the base before the change): chr19:46,273,462.
Other names: DM1 CTG repeat expansion; c.*369CTG[1140] (NM_001288766.2, NM_001424164.1, NM_001424168.1); c.*224CTG[1140] (NM_001081560.3, NM_001288764.2, NM_001424165.1 and 1 more transcripts); c.*217CTG[1140] (NM_001081562.3, NM_001288765.2, NM_001424162.1 and 2 more transcripts); c.*222_*224TGC[1140] (NM_001081563.3).
Identifiers: ClinVar variation 187911 (VCV000187911.1), ClinGen allele CA915951706.

ClinVar aggregate classification (germline): Pathogenic (0 of 4 stars; one submission).

Conditions:
Steinert myotonic dystrophy syndrome (DM1). Also called: STEINERT DISEASE; Myotonic dystrophy type 1; Dystrophia myotonica type 1; Steinert myotonic dystrophy; Steinert's disease. Identifiers: Orphanet 273, MedGen C3250443, MONDO:0008056, OMIM 160900.

Submission:

Institute of Molecular, Cell and Systems Biology, University of Glasgow
Classification: Pathogenic for Steinert myotonic dystrophy syndrome. Review status: no assertion criteria provided. Criteria: research. Collection method: research. Allele origin: germline. Inheritance: Autosomal dominant inheritance. Affected: yes. Observed: 1 heterozygote.
Comment: DMPK CTG repeat expansions greater than approximately 45-50 repeats are assumed to be pathogenic

This record is based on data published in PubMed 25052313, which reports only ClinVar accessions SCV000120188 and SCV000120189. The complete data set includes SCV000207445 - SCV000207579.

Literature cited by the submitters: PubMed 1346923; PubMed 1546326; PubMed 25052313.